The following is an entry in ClinVar:

ClinVar aggregate classification (germline): Uncertain significance (1 of 4 stars; one submission).

Conditions:
Charcot-Marie-Tooth disease axonal type 2F (CMT2F). Also called: CHARCOT-MARIE-TOOTH DISEASE, NEURONAL, TYPE 2F; Charcot-Marie-Tooth Neuropathy Type 2F. Identifiers: Orphanet 99940, MedGen C1847823, MONDO:0011687, OMIM 606595.

gnomAD v4.1: 17 of 1,609,398 alleles (0.0011%); highest among the groups gnomAD compares: Non-Finnish European, 0.0014%; no homozygotes.

Submission:

Labcorp Genetics (formerly Invitae), Labcorp
Classification: Uncertain significance for Charcot-Marie-Tooth disease axonal type 2F. Last evaluated: 2023-12-18. Review status: criteria provided, single submitter. Criteria: Invitae Variant Classification Sherloc (09022015). Collection method: clinical testing. Allele origin: germline.
Comment: This sequence change replaces alanine, which is neutral and non-polar, with serine, which is neutral and polar, at codon 204 of the HSPB1 protein (p.Ala204Ser). This variant is present in population databases (rs367857772, gnomAD 0.007%). This variant has not been reported in the literature in individuals affected with HSPB1-related conditions. ClinVar contains an entry for this variant (Variation ID: 642419). Advanced modeling of protein sequence and biophysical properties (such as structural, functional, and spatial information, amino acid conservation, physicochemical variation, residue mobility, and thermodynamic stability) has been performed at Invitae for this missense variant, however the output from this modeling did not meet the statistical confidence thresholds required to predict the impact of this variant on HSPB1 protein function. In summary, the available evidence is currently insufficient to determine the role of this variant in disease. Therefore, it has been classified as a Variant of Uncertain Significance.

NM_001540.5(HSPB1):c.610G>T (p.Ala204Ser)

Gene: HSPB1 (heat shock protein family B (small) member 1; plus strand). Cytogenetic location: 7q11.23.
Variant type: single nucleotide variant.
Coding change: c.610G>T on transcript NM_001540.5 (MANE Select); coding-DNA position 610, G replaced by T.
Protein change: p.Ala204Ser; replaces alanine 204 with serine.
Molecular consequence: missense variant.
Genome position (GRCh38, 1-based): chr7:76,304,165, G>T. VCF-style: chr7-76304165-G-T. GRCh37 (hg19) VCF-style: chr7-75933482-G-T.
Other names: c.610G>T (LRG_248t1); short protein forms A204S.
Identifiers: ClinVar variation 642419 (VCV000642419.8), dbSNP rs367857772, ClinGen allele CA160902048.